The following is an entry in ClinVar:

ClinVar aggregate classification (germline): Uncertain significance. Review status: criteria provided, multiple submitters, no conflicts (2 of 4 stars). 2 submissions from 2 submitters: Uncertain significance (2). Last evaluated 2025-09-25.

Conditions:
Hereditary cancer-predisposing syndrome. Also called: Neoplastic Syndromes, Hereditary; Tumor predisposition; Hereditary Cancer Syndrome; Hereditary neoplastic syndrome. Identifiers: Orphanet 140162, MedGen C0027672, MeSH D009386, MONDO:0015356.

Submissions (2):

Ambry Genetics
Classification: Uncertain significance for Hereditary cancer-predisposing syndrome. Last evaluated: 2025-09-25. Review status: criteria provided, single submitter. Criteria: Ambry Variant Classification Scheme 2023. Collection method: clinical testing. Allele origin: germline.
Comment: The p.R401T variant (also known as c.1202G>C), located in coding exon 9 of the BMPR1A gene, results from a G to C substitution at nucleotide position 1202. The arginine at codon 401 is replaced by threonine, an amino acid with similar properties. This amino acid position is conserved. In addition, this alteration is predicted to be deleterious by in silico analysis. Based on the available evidence, the clinical significance of this variant remains unclear.

Color Diagnostics, LLC DBA Color Health
Classification: Uncertain significance for Hereditary cancer-predisposing syndrome. Last evaluated: 2023-12-11. Review status: criteria provided, single submitter. Criteria: ACMG Guidelines, 2015. Collection method: clinical testing. Allele origin: germline.
Comment: This missense variant replaces arginine with threonine at codon 401 of the BMPR1A protein. Computational prediction is inconclusive regarding the impact of this variant on protein structure and function (internally defined REVEL score threshold 0.5 < inconclusive < 0.7, PMID: 27666373). To our knowledge, functional studies have not been reported for this variant. This variant has not been reported in individuals affected with BMPR1A-related disorders in the literature. This variant has not been identified in the general population by the Genome Aggregation Database (gnomAD). The available evidence is insufficient to determine the role of this variant in disease conclusively. Therefore, this variant is classified as a Variant of Uncertain Significance.

NM_004329.3(BMPR1A):c.1202G>C (p.Arg401Thr)

Gene: BMPR1A (bone morphogenetic protein receptor type 1A; plus strand). Cytogenetic location: 10q23.2.
Variant type: single nucleotide variant.
Coding change: c.1202G>C on transcript NM_004329.3 (MANE Select); coding-DNA position 1202, G replaced by C.
Protein change: p.Arg401Thr; replaces arginine 401 with threonine.
Molecular consequence: missense variant. On other transcripts: non-coding transcript variant (3).
Genome position (GRCh38, 1-based): chr10:86,921,555, G>C. VCF-style: chr10-86921555-G-C. GRCh37 (hg19) VCF-style: chr10-88681312-G-C.
Other names: c.1250G>C, p.Arg417Thr (NM_001406560.1); c.1202G>C, p.Arg401Thr (NM_001406561.1, NM_001406562.1, NM_001406563.1 and 19 more transcripts); c.1196G>C, p.Arg399Thr (NM_001406583.1); c.1118G>C, p.Arg373Thr (NM_001406584.1, NM_001406585.1, NM_001406586.1 and 2 more transcripts); c.860G>C, p.Arg287Thr (NM_001406589.1); c.1277G>C, p.Arg426Thr (NM_001406559.1); short protein forms R401T, R373T, R287T, R399T, R417T, R426T.
Identifiers: ClinVar variation 2774814 (VCV002774814.3), dbSNP rs2539635942, ClinGen allele CA377461934.
Genomic context (GRCh38, chr10:86,921,555, plus strand): 5'-GGACCTTGGCTTTCTTTTGTTTCAGTGACACAAATGAAGTTGATGTGCCCTTGAATACCA[G>C]GGTGGGCACCAAACGCTACATGGCTCCCGAAGTGCTGGACGAAAGCCTGAACAAAAACCA-3'
Protein context (NP_004320.2, residues 391-411): TNEVDVPLNT[Arg401Thr]VGTKRYMAPE